The following is an entry in ClinVar:

NM_016507.4(CDK12):c.181G>A (p.Ala61Thr)

Genes: CDK12 (cyclin dependent kinase 12; plus strand), LOC126862553 (CDK7 strongly-dependent group 2 enhancer GRCh37_chr17:37618166-37619365; plus strand). Cytogenetic location: 17q12.
Variant type: single nucleotide variant.
Coding change: c.181G>A on transcript NM_016507.4 (MANE Select); coding-DNA position 181, G replaced by A.
Protein change: p.Ala61Thr; replaces alanine 61 with threonine.
Molecular consequence: missense variant.
Genome position (GRCh38, 1-based): chr17:39,462,252, G>A. VCF-style: chr17-39462252-G-A. GRCh37 (hg19) VCF-style: chr17-37618505-G-A.
Other names: c.181G>A, p.Ala61Thr (NM_015083.4); short protein forms A61T.
Identifiers: ClinVar variation 3999425 (VCV003999425.1).

ClinVar aggregate classification (germline): Uncertain significance (1 of 4 stars; one submission).

gnomAD v4.1: 7 of 1,614,228 alleles (0.00043%); highest among the groups gnomAD compares: Non-Finnish European, 0.00059%; no homozygotes.

Submission:

Ambry Genetics
Classification: Uncertain significance. Last evaluated: 2025-05-04. Review status: criteria provided, single submitter. Criteria: Ambry Variant Classification Scheme 2023. Collection method: clinical testing. Allele origin: germline.
Comment: The p.A61T variant (also known as c.181G>A), located in coding exon 1 of the CDK12 gene, results from a G to A substitution at nucleotide position 181. The alanine at codon 61 is replaced by threonine, an amino acid with similar properties. This amino acid position is conserved. In addition, this alteration is predicted to be tolerated by in silico analysis. Based on the available evidence, the clinical significance of this variant remains unclear.